The following is an entry in ClinVar:

NM_021224.6(ZNF462):c.6832+2T>C

Gene: ZNF462 (zinc finger protein 462; plus strand). Cytogenetic location: 9q31.2.
Variant type: single nucleotide variant.
Coding change: c.6832+2T>C on transcript NM_021224.6 (MANE Select); the canonical splice donor site of the intron after coding-DNA position 6832, T replaced by C.
Molecular consequence: splice donor variant.
Genome position (GRCh38, 1-based): chr9:106,974,275, T>C. VCF-style: chr9-106974275-T-C. GRCh37 (hg19) VCF-style: chr9-109736556-T-C.
Other names: c.4237+2T>C (NM_001347997.2).
Identifiers: ClinVar variation 4795247 (VCV004795247.1).
Genomic context (GRCh38, chr9:106,974,275, plus strand): 5'-CTGCCTCTATCACACCAAATACAAGCGCAACATGATTGACCACATCGTGCTGCACCGAGG[T>C]AACCTTTCTAACTTGGTTTTCTTGGATGCAGCGGGGGGCAGGCAGCAGAGATGGCCTTCT-3'

ClinVar aggregate classification (germline): Pathogenic (1 of 4 stars; one submission).

Conditions:
Weiss-Kruszka syndrome. Also called: Metopic ridging-ptosis-facial dysmorphism syndrome. Identifiers: Orphanet 502430, MedGen C5568107, MONDO:0032836, OMIM 618619.

Submission:

Department of Clinical Genetics, Aarhus University Hospital
Classification: Pathogenic for Weiss-Kruszka syndrome. Last evaluated: 2025-12-30. Review status: criteria provided, single submitter. Criteria: ACMG Guidelines, 2015. Collection method: clinical testing. Allele origin: de novo. Inheritance: Autosomal dominant inheritance. Affected: yes.
Comment: The variant is not seen in the gnomAD 4.1 database. Splice computational tools (SpliceAI, MaxEnt) predict that the variant lead to donor loss. To our knowledge the variant has not been reported in the literature in individuals with Weiss-Kruszka syndrome, but other splice variants in ZNF462 have been associated to ZNF462-related syndrome (PMID:39501256;31361404. According to the ACMG guidelines, this variant is interpreted as pathogenic (PVS1_strong, PM2_supporting, PS2_supporting).

Literature cited by the submitters: PubMed 39069253; PubMed 39287049; PubMed 39501256; PubMed 31361404.